The following is an entry in ClinVar:

ClinVar aggregate classification (germline): Uncertain significance. Review status: criteria provided, multiple submitters, no conflicts (2 of 4 stars). 2 submissions from 2 submitters: Uncertain significance (2). Last evaluated 2025-09-21.

Conditions:
Cardiovascular phenotype. Identifiers: MedGen CN230736.
Brugada syndrome. Also called: Sudden Unexplained Death Syndrome; Sudden Unexplained Nocturnal Death Syndrome (SUNDS); Sudden unexpected nocturnal death syndrome; Sudden unexplained nocturnal death syndrome. Identifiers: Orphanet 130, MedGen C1142166, MONDO:0015263.

Allele frequency attached by ClinVar (database versions not stated): ExAC 0.00001; gnomAD exomes below 0.00001; gnomAD 0.00001.
gnomAD v4.1: 7 of 1,602,028 alleles (0.00044%); highest among the groups gnomAD compares: African/African-American, 0.0013%; no homozygotes.

Submissions (2):

Labcorp Genetics (formerly Invitae), Labcorp
Classification: Uncertain significance for Brugada syndrome. Last evaluated: 2025-09-21. Review status: criteria provided, single submitter. Criteria: Invitae Variant Classification Sherloc (09022015). Collection method: clinical testing. Allele origin: germline.
Comment: This sequence change replaces leucine, which is neutral and non-polar, with phenylalanine, which is neutral and non-polar, at codon 934 of the CACNA2D1 protein (p.Leu934Phe). The frequency data for this variant in the population databases is considered unreliable, as metrics indicate poor data quality at this position in the gnomAD database. This variant has not been reported in the literature in individuals affected with CACNA2D1-related conditions. ClinVar contains an entry for this variant (Variation ID: 1796217). An algorithm developed to predict the effect of missense changes on protein structure and function (PolyPhen-2) suggests that this variant is likely to be tolerated. In summary, the available evidence is currently insufficient to determine the role of this variant in disease. Therefore, it has been classified as a Variant of Uncertain Significance.

Ambry Genetics
Classification: Uncertain significance for Cardiovascular phenotype. Last evaluated: 2024-06-09. Review status: criteria provided, single submitter. Criteria: Ambry Variant Classification Scheme 2023. Collection method: clinical testing. Allele origin: germline.
Comment: The p.L934F variant (also known as c.2800C>T), located in coding exon 35 of the CACNA2D1 gene, results from a C to T substitution at nucleotide position 2800. The leucine at codon 934 is replaced by phenylalanine, an amino acid with highly similar properties. This amino acid position is conserved. In addition, this alteration is predicted to be tolerated by in silico analysis. Since supporting evidence is limited at this time, the clinical significance of this alteration remains unclear.

NM_000722.4(CACNA2D1):c.2800C>T (p.Leu934Phe)

Gene: CACNA2D1 (calcium voltage-gated channel auxiliary subunit alpha2delta 1; minus strand). Cytogenetic location: 7q21.11.
Variant type: single nucleotide variant.
Coding change: c.2800C>T on transcript NM_000722.4 (MANE Select); coding-DNA position 2800, C replaced by T.
Protein change: p.Leu934Phe; replaces leucine 934 with phenylalanine.
Molecular consequence: missense variant.
Genome position (GRCh38, 1-based): chr7:81,962,476, G>A on the plus strand (C>T on the coding strand, the complement: CACNA2D1 is on the minus strand). VCF-style: chr7-81962476-G-A. GRCh37 (hg19) VCF-style: chr7-81591792-G-A.
Other names: c.2836C>T, p.Leu946Phe (NM_001366867.1); short protein forms L946F, L934F.
Identifiers: ClinVar variation 1796217 (VCV001796217.6), dbSNP rs770791780, ClinGen allele CA4317481.